The following is an entry in ClinVar:

NM_016495.6(TBC1D7):c.155C>T (p.Pro52Leu)

Genes: TBC1D7 (TBC1 domain family member 7; minus strand), TBC1D7-LOC100130357 (TBC1D7-LOC100130357 readthrough; minus strand). Cytogenetic location: 6p24.1.
Variant type: single nucleotide variant.
Coding change: c.155C>T on transcript NM_016495.6 (MANE Select); coding-DNA position 155, C replaced by T.
Protein change: p.Pro52Leu; replaces proline 52 with leucine.
Molecular consequence: missense variant. On other transcripts: non-coding transcript variant (1), intron variant (2).
Genome position (GRCh38, 1-based): chr6:13,325,132, G>A on the plus strand (C>T on the coding strand, the complement: TBC1D7 is on the minus strand). VCF-style: chr6-13325132-G-A. GRCh37 (hg19) VCF-style: chr6-13325364-G-A.
Other names: c.155C>T, p.Pro52Leu (NM_001318809.2, NM_001143964.4, NM_001143965.4 and 2 more transcripts); c.112+1655C>T (NM_001143966.4, NM_001318806.2); short protein forms P52L.
Identifiers: ClinVar variation 2633044 (VCV002633044.2), dbSNP rs749429061, ClinGen allele CA3639884.

ClinVar aggregate classification (germline): Uncertain significance. Review status: criteria provided, multiple submitters, no conflicts (2 of 4 stars). 2 submissions from 2 submitters: Uncertain significance (2). Last evaluated 2023-05-19.

Conditions:
TBC1D7-related disorder. Also called: TBC1D7-related condition.

Allele frequency attached by ClinVar (database versions not stated): ExAC 0.00001; gnomAD 0.00001; TOPMed 0.00001; gnomAD exomes 0.00003.
gnomAD v4.1: 42 of 1,613,482 alleles (0.0026%); highest among the groups gnomAD compares: African/African-American, 0.0053%; no homozygotes.

Submissions (2):

PreventionGenetics, part of Exact Sciences
Classification: Uncertain significance for TBC1D7-related condition. Last evaluated: 2023-05-19. Review status: criteria provided, single submitter. Criteria: ACMG Guidelines, 2015. Collection method: clinical testing. Allele origin: germline.
Comment: The TBC1D7 c.155C>T variant is predicted to result in the amino acid substitution p.Pro52Leu. To our knowledge, this variant has not been reported in the literature. This variant is reported in 0.0023% of alleles in individuals of European (Non-Finnish) descent in gnomAD. At this time, the clinical significance of this variant is uncertain due to the absence of conclusive functional and genetic evidence.

Blueprint Genetics
Classification: Uncertain significance. Last evaluated: 2020-08-19. Review status: criteria provided, single submitter. Criteria: ACMG Guidelines, 2015. Collection method: clinical testing. Allele origin: germline.